The following is an entry in ClinVar:

NM_001164508.2(NEB):c.1063A>G (p.Asn355Asp)

Gene: NEB (nebulin; minus strand). Cytogenetic location: 2q23.3.
Variant type: single nucleotide variant.
Coding change: c.1063A>G on transcript NM_001164508.2 (MANE Select); coding-DNA position 1063, A replaced by G.
Protein change: p.Asn355Asp; replaces asparagine 355 with aspartic acid.
Molecular consequence: missense variant.
Genome position (GRCh38, 1-based): chr2:151,706,970, T>C on the plus strand (A>G on the coding strand, the complement: NEB is on the minus strand). VCF-style: chr2-151706970-T-C. GRCh37 (hg19) VCF-style: chr2-152563484-T-C.
Other names: c.1063A>G, p.Asn355Asp (NM_001164507.2, NM_001271208.2, NM_004543.5); c.1063A>G (NM_004543.4); short protein forms N355D.
Identifiers: ClinVar variation 2080178 (VCV002080178.2), dbSNP rs1053530676, ClinGen allele CA57682603.

ClinVar aggregate classification (germline): Uncertain significance. Review status: criteria provided, multiple submitters, no conflicts (2 of 4 stars). 2 submissions from 2 submitters: Uncertain significance (2). Last evaluated 2025-03-22.

Conditions:
Nemaline myopathy 2 (NEM2). Also called: Nemaline myopathy 2, autosomal recessive. Identifiers: MedGen C1850569, MONDO:0009725, OMIM 256030.
Inborn genetic diseases. Identifiers: MedGen C0950123, MeSH D030342.

Allele frequency attached by ClinVar (database versions not stated): TOPMed below 0.00001; gnomAD 0.00001; gnomAD exomes 0.00002.
gnomAD v4.1: 33 of 1,591,736 alleles (0.0021%); highest among the groups gnomAD compares: Non-Finnish European, 0.0027%; no homozygotes.

Submissions (2):

Ambry Genetics
Classification: Uncertain significance for Inborn genetic diseases. Last evaluated: 2025-03-22. Review status: criteria provided, single submitter. Criteria: Ambry Variant Classification Scheme 2023. Collection method: clinical testing. Allele origin: germline.

Labcorp Genetics (formerly Invitae), Labcorp
Classification: Uncertain significance for Nemaline myopathy 2. Last evaluated: 2022-07-15. Review status: criteria provided, single submitter. Criteria: Invitae Variant Classification Sherloc (09022015). Collection method: clinical testing. Allele origin: germline.
Comment: This sequence change replaces asparagine, which is neutral and polar, with aspartic acid, which is acidic and polar, at codon 355 of the NEB protein (p.Asn355Asp). This variant is present in population databases (no rsID available, gnomAD 0.001%). This variant has not been reported in the literature in individuals affected with NEB-related conditions. Algorithms developed to predict the effect of missense changes on protein structure and function output the following: SIFT: "Deleterious"; PolyPhen-2: "Not Available"; Align-GVGD: "Class C0". The aspartic acid amino acid residue is found in multiple mammalian species, which suggests that this missense change does not adversely affect protein function. In summary, the available evidence is currently insufficient to determine the role of this variant in disease. Therefore, it has been classified as a Variant of Uncertain Significance.